The following is an entry in ClinVar:

ClinVar aggregate classification (germline): Pathogenic (1 of 4 stars; one submission).

Conditions:
Xeroderma pigmentosum, group C (XPC). Also called: Xeroderma pigmentosum, complementation group C; XERODERMA PIGMENTOSUM III; XP, GROUP C; XPC-Related Xeroderma Pigmentosum. Identifiers: Orphanet 910, MedGen C2752147, MONDO:0010211, OMIM 278720.

Submission:

Myriad Genetics, Inc.
Classification: Pathogenic for Xeroderma pigmentosum, group C. Last evaluated: 2025-09-10. Review status: criteria provided, single submitter. Criteria: Myriad Autosomal Dominant, Autosomal Recessive and X-Linked Classification Criteria (2023). Collection method: clinical testing. Allele origin: unknown.
Comment: NM_004628.4(XPC):c.1615G>T(E539*) is a nonsense variant classified as pathogenic in the context of xeroderma pigmentosum group C. E539* has been observed in a case with relevant disease (PMID: 33672602). Relevant functional assessments of this variant are not available in the literature. E539* has not been observed in referenced population frequency databases. In summary, NM_004628.4(XPC):c.1615G>T(E539*) is a nonsense variant in a gene where loss of function is a known mechanism of disease, is predicted to disrupt protein function, and has been observed more frequently in cases with the relevant disease than in healthy populations. Please note: this variant was assessed in the context of healthy population screening.

Literature cited by the submitters: PubMed 33672602.

NM_004628.5(XPC):c.1615G>T (p.Glu539Ter)

Gene: XPC (XPC complex subunit, DNA damage recognition and repair factor; minus strand). Cytogenetic location: 3p25.1.
Variant type: single nucleotide variant.
Coding change: c.1615G>T on transcript NM_004628.5 (MANE Select); coding-DNA position 1615, G replaced by T.
Protein change: p.Glu539Ter; replaces glutamic acid 539 with a stop codon.
Molecular consequence: nonsense. On other transcripts: non-coding transcript variant (2).
Genome position (GRCh38, 1-based): chr3:14,158,268, C>A on the plus strand (G>T on the coding strand, the complement: XPC is on the minus strand). VCF-style: chr3-14158268-C-A. GRCh37 (hg19) VCF-style: chr3-14199768-C-A.
Other names: c.1036G>T, p.Glu346Ter (NM_001354726.2); c.1615G>T, p.Glu539Ter (NM_001354727.2, NM_001354730.2); c.1597G>T, p.Glu533Ter (NM_001354729.2); short protein forms E346*, E539*, E533*.
Identifiers: ClinVar variation 5003809 (VCV005003809.1).